The following is an entry in ClinVar:

ClinVar aggregate classification (germline): Uncertain significance (1 of 4 stars; one submission).

Conditions:
Hereditary cancer-predisposing syndrome. Also called: Tumor predisposition; Neoplastic Syndromes, Hereditary; Hereditary Cancer Syndrome; Hereditary neoplastic syndrome. Identifiers: Orphanet 140162, MedGen C0027672, MeSH D009386, MONDO:0015356.

Submission:

Ambry Genetics
Classification: Uncertain significance for Hereditary cancer-predisposing syndrome. Last evaluated: 2024-12-31. Review status: criteria provided, single submitter. Criteria: Ambry Variant Classification Scheme 2023. Collection method: clinical testing. Allele origin: germline.
Comment: The p.K1009N variant (also known as c.3027A>C), located in coding exon 4 of the MSH6 gene, results from an A to C substitution at nucleotide position 3027. The lysine at codon 1009 is replaced by asparagine, an amino acid with similar properties. This amino acid position is conserved. In addition, the in silico prediction for this alteration is inconclusive. Based on the available evidence, the clinical significance of this variant remains unclear.

NM_000179.3(MSH6):c.3027A>C (p.Lys1009Asn)

Gene: MSH6 (mutS homolog 6; plus strand). Cytogenetic location: 2p16.3.
Variant type: single nucleotide variant.
Coding change: c.3027A>C on transcript NM_000179.3 (MANE Select); coding-DNA position 3027, A replaced by C.
Protein change: p.Lys1009Asn; replaces lysine 1009 with asparagine.
Molecular consequence: missense variant. On other transcripts: non-coding transcript variant (5), intron variant (2).
Genome position (GRCh38, 1-based): chr2:47,801,010, A>C. VCF-style: chr2-47801010-A-C. GRCh37 (hg19) VCF-style: chr2-48028149-A-C.
Other names: c.2637A>C, p.Lys879Asn (NM_001281492.2); c.2121A>C, p.Lys707Asn (NM_001281493.2, NM_001281494.2, NM_001406811.1 and 6 more transcripts); c.3123A>C, p.Lys1041Asn (NM_001406795.1, NM_001406802.1); c.3027A>C, p.Lys1009Asn (NM_001406796.1, NM_001406798.1, NM_001406800.1 and 2 more transcripts); c.2730A>C, p.Lys910Asn (NM_001406797.1, NM_001406801.1, NM_001406805.1 and 10 more transcripts); c.2502A>C, p.Lys834Asn (NM_001406799.1, NM_001406806.1, NM_001406807.1); c.2949A>C, p.Lys983Asn (NM_001406804.1); c.3033A>C, p.Lys1011Asn (NM_001406813.1); and 4 more; short protein forms K1041N, K953N, K1011N, K879N, K910N, K983N, K707N, K1009N.
Identifiers: ClinVar variation 3875063 (VCV003875063.1).